The following is an entry in ClinVar:

NM_000051.4(ATM):c.1543A>G (p.Ser515Gly)

Gene: ATM (ATM serine/threonine kinase; plus strand). Cytogenetic location: 11q22.3.
Variant type: single nucleotide variant.
Coding change: c.1543A>G on transcript NM_000051.4 (MANE Select); coding-DNA position 1543, A replaced by G.
Protein change: p.Ser515Gly; replaces serine 515 with glycine.
Molecular consequence: missense variant.
Genome position (GRCh38, 1-based): chr11:108,251,008, A>G. VCF-style: chr11-108251008-A-G. GRCh37 (hg19) VCF-style: chr11-108121735-A-G.
Other names: c.1543A>G, p.Ser515Gly (NM_001351834.2); short protein forms S515G.
Identifiers: ClinVar variation 1171886 (VCV001171886.4), dbSNP rs2135326489, ClinGen allele CA382534319.

ClinVar aggregate classification (germline): Uncertain significance. Review status: criteria provided, multiple submitters, no conflicts (2 of 4 stars). 2 submissions from 2 submitters: Uncertain significance (2). Last evaluated 2022-12-22.

Conditions:
Hereditary cancer-predisposing syndrome. Also called: Tumor predisposition; Hereditary neoplastic syndrome; Hereditary Cancer Syndrome; Neoplastic Syndromes, Hereditary. Identifiers: Orphanet 140162, MedGen C0027672, MeSH D009386, MONDO:0015356.

Submissions (2):

Ambry Genetics
Classification: Uncertain significance for Hereditary cancer-predisposing syndrome. Last evaluated: 2022-12-22. Review status: criteria provided, single submitter. Criteria: Ambry Variant Classification Scheme 2023. Collection method: clinical testing. Allele origin: germline.
Comment: The p.S515G variant (also known as c.1543A>G), located in coding exon 9 of the ATM gene, results from an A to G substitution at nucleotide position 1543. The serine at codon 515 is replaced by glycine, an amino acid with similar properties. This alteration was detected in 1/5589 German BRCA1/2-negative probands with breast cancer (Hauke J et al. Cancer Med, 2018 Apr;7:1349-1358). This amino acid position is not well conserved in available vertebrate species. In addition, this alteration is predicted to be tolerated by in silico analysis. Since supporting evidence is limited at this time, the clinical significance of this alteration remains unclear.

Color Diagnostics, LLC DBA Color Health
Classification: Uncertain significance for Hereditary cancer-predisposing syndrome. Last evaluated: 2021-02-12. Review status: criteria provided, single submitter. Criteria: ACMG Guidelines, 2015. Collection method: clinical testing. Allele origin: germline.
Comment: This missense variant replaces serine with glycine at codon 515 of the ATM protein. Computational prediction suggests that this variant may not impact protein structure and function (internally defined REVEL score threshold <= 0.5, PMID: 27666373). To our knowledge, functional studies have not been reported for this variant. This variant has not been reported in individuals affected with hereditary cancer in the literature. This variant has not been identified in the general population by the Genome Aggregation Database (gnomAD). The available evidence is insufficient to determine the role of this variant in disease conclusively. Therefore, this variant is classified as a Variant of Uncertain Significance.

Literature cited by the submitters: PubMed 29522266 (cited by Ambry Genetics).